The following is an entry in ClinVar:

ClinVar aggregate classification (germline): Uncertain significance (3 of 4 stars; one submission).

Conditions:
Open-angle glaucoma. Identifiers: MedGen C0017612, MONDO:0005338, HP:0012108.

Submission:

ClinGen Glaucoma Variant Curation Expert Panel
Classification: Uncertain significance for Open-angle glaucoma. Last evaluated: 2026-02-04. Review status: reviewed by expert panel. Criteria: ClinGen Glaucoma ACMG Specifications V2.0.0 Approved. Collection method: curation. Allele origin: germline. Inheritance: Autosomal dominant inheritance.
Comment: The c.1267A>C variant in MYOC is a missense variant predicted to cause substitution of Lysine by Glutamine at amino acid 423 (p.Lys423Gln). This variant was not found in any genetic ancestry group of gnomAD (v4.1.0), meeting the ≤ 0.0001 threshold set for PM2_Supporting in a genetic ancestry group of at least 10,000 alleles. The REVEL score = 0.795, which was within the 0.773-0.931 range for PP3_Moderate, predicting a damaging effect on MYOC function. There was no functional evidence predicting a damaging or benign impact of this variant on MYOC function. Only 1 proband with juvenile open angle glaucoma had been reported (PMID: 35946471), not meeting the ≥ 2 probands threshold required to meet PS4_Supporting. In summary, this variant met the criteria to receive a score of 3 and to be classified as a variant of uncertain significance (uncertain significance classification range -1 to 5, adapted from PMID: 32720330) for juvenile open angle glaucoma based on the ACMG/AMP criteria met, as specified by the ClinGen Glaucoma VCEP (v2.0.0, 5 Dec 2024): PP3_Moderate, PM2_Supporting.

NM_000261.2(MYOC):c.1267A>C (p.Lys423Gln)

Gene: MYOC (myocilin; minus strand). Cytogenetic location: 1q24.3.
Variant type: single nucleotide variant.
Coding change: c.1267A>C on transcript NM_000261.2 (MANE Select); coding-DNA position 1267, A replaced by C.
Protein change: p.Lys423Gln; replaces lysine 423 with glutamine.
Molecular consequence: missense variant.
Genome position (GRCh38, 1-based): chr1:171,636,173, T>G on the plus strand (A>C on the coding strand, the complement: MYOC is on the minus strand). VCF-style: chr1-171636173-T-G. GRCh37 (hg19) VCF-style: chr1-171605313-T-G.
Other names: NM_000261.2:c.1267A>C; short protein forms K423Q.
Identifiers: ClinVar variation 2570625 (VCV002570625.2), dbSNP rs74315336, ClinGen allele CA343724106.